The following is an entry in ClinVar:

NM_177438.3(DICER1):c.3133G>A (p.Ala1045Thr)

Gene: DICER1 (dicer 1, ribonuclease III; minus strand). Cytogenetic location: 14q32.13.
Variant type: single nucleotide variant.
Coding change: c.3133G>A on transcript NM_177438.3 (MANE Select); coding-DNA position 3133, G replaced by A.
Protein change: p.Ala1045Thr; replaces alanine 1045 with threonine.
Molecular consequence: missense variant.
Genome position (GRCh38, 1-based): chr14:95,105,207, C>T on the plus strand (G>A on the coding strand, the complement: DICER1 is on the minus strand). VCF-style: chr14-95105207-C-T. GRCh37 (hg19) VCF-style: chr14-95571544-C-T.
Other names: c.3133G>A, p.Ala1045Thr (NM_001195573.1, NM_001271282.3, NM_001291628.2 and 1 more transcripts); short protein forms A1045T.
Identifiers: ClinVar variation 822965 (VCV000822965.5), dbSNP rs878855255, ClinGen allele CA390876826.
Genomic context (GRCh38, chr14:95,105,207, plus strand): 5'-AAAGGCAGTGAAGGCGATAAAGTATGCTGGGGAGACAAACAGCTTTTCTCCACAGTGATG[C>T]TGGAATTGGATGTATAGCACAGAGTTCTGGAACCAGTATCTTCAAGTAAGGGGAAAAATG-3'
Protein context (NP_803187.1, residues 1035-1055): PELCAIHPIP[Ala1045Thr]SLWRKAVCLP

ClinVar aggregate classification (germline): Uncertain significance. Review status: criteria provided, multiple submitters, no conflicts (2 of 4 stars). 2 submissions from 2 submitters: Uncertain significance (2). Last evaluated 2025-05-08.

Conditions:
Hereditary cancer-predisposing syndrome. Also called: Tumor predisposition; Hereditary Cancer Syndrome; Neoplastic Syndromes, Hereditary; Hereditary neoplastic syndrome. Identifiers: Orphanet 140162, MedGen C0027672, MeSH D009386, MONDO:0015356.

Submissions (2):

GeneDx
Classification: Uncertain significance. Last evaluated: 2025-05-08. Review status: criteria provided, single submitter. Criteria: GeneDx Variant Classification Process June 2021. Collection method: clinical testing. Allele origin: germline. Affected: yes.
Comment: Not observed at significant frequency in large population cohorts (gnomAD); In silico analysis supports that this missense variant has a deleterious effect on protein structure/function; Has not been previously published as pathogenic or benign to our knowledge

Ambry Genetics
Classification: Uncertain significance for Hereditary cancer-predisposing syndrome. Last evaluated: 2018-11-26. Review status: criteria provided, single submitter. Criteria: Ambry Variant Classification Scheme 2023. Collection method: clinical testing. Allele origin: germline.
Comment: The p.A1045T variant (also known as c.3133G>A), located in coding exon 19 of the DICER1 gene, results from a G to A substitution at nucleotide position 3133. The alanine at codon 1045 is replaced by threonine, an amino acid with similar properties. This amino acid position is highly conserved in available vertebrate species. In addition, the in silico prediction for this alteration is inconclusive. Since supporting evidence is limited at this time, the clinical significance of this alteration remains unclear.